The following is an entry in ClinVar:

NM_000834.5(GRIN2B):c.2011-8C>G

Gene: GRIN2B (glutamate ionotropic receptor NMDA type subunit 2B; minus strand). Cytogenetic location: 12p13.1.
Variant type: single nucleotide variant.
Coding change: c.2011-8C>G on transcript NM_000834.5 (MANE Select); 8 bases into the intron before coding-DNA position 2011, C replaced by G.
Molecular consequence: intron variant.
Genome position (GRCh38, 1-based): chr12:13,571,972, G>C on the plus strand (C>G on the coding strand, the complement: GRIN2B is on the minus strand). VCF-style: chr12-13571972-G-C. GRCh37 (hg19) VCF-style: chr12-13724906-G-C.
Identifiers: ClinVar variation 625957 (VCV000625957.12), dbSNP rs774971411, ClinGen allele CA6461129.

ClinVar aggregate classification (germline): Conflicting classifications of pathogenicity. Review status: criteria provided, conflicting classifications (1 of 4 stars). 2 submissions from 2 submitters: Uncertain significance (1); Likely benign (1). Last evaluated 2025-06-02.

Conditions:
Intellectual developmental disorder, autosomal dominant 6, with or without seizures. Also called: Intellectual disability, autosomal dominant 6; GRIN2B-related developmental delay, intellectual disability and autism spectrum disorder. Identifiers: Orphanet 589547, MedGen C3151411, MONDO:0013509, OMIM 613970.
Developmental and epileptic encephalopathy, 27 (DEE27). Also called: GRIN2B-Related Neurodevelopmental Disorder; Epileptic encephalopathy, early infantile, 27. Identifiers: Orphanet 3451, MedGen C4015316, MONDO:0014505, OMIM 616139.

Allele frequency attached by ClinVar (database versions not stated): gnomAD exomes 0.00001; ExAC 0.00001.
gnomAD v4.1: 5 of 1,610,526 alleles (0.00031%); highest among the groups gnomAD compares: Admixed American, 0.0067%; no homozygotes.

Submissions (2):

Labcorp Genetics (formerly Invitae), Labcorp
Classification: Likely benign for Developmental and epileptic encephalopathy, 27; Intellectual developmental disorder, autosomal dominant 6, with or without seizures. Last evaluated: 2025-06-02. Review status: criteria provided, single submitter. Criteria: Invitae Variant Classification Sherloc (09022015). Collection method: clinical testing. Allele origin: germline.

Center for Genomics, Ann and Robert H. Lurie Children's Hospital of Chicago
Classification: Uncertain significance for Developmental and epileptic encephalopathy, 27; Intellectual developmental disorder, autosomal dominant 6, with or without seizures. Review status: criteria provided, single submitter. Criteria: ACMG Guidelines, 2015. Collection method: clinical testing. Allele origin: germline.
Comment: GRIN2B: NM_00834 exon 10 c.2011-8C>G: This variant has not been reported in the literature but is present in 3/33112 Latino alleles in the Genome Aggregation Database. Evolutionary conservation and computational predictive tools for this variant are limited or unavailable. This variant is an intronic variant with no predicted change in the amino acid sequence but may have an unknown effect on splicing. Further studies are needed to understand its impact. In summary, data on this variant is insufficient for disease classification. Therefore, the clinical significance of this variant is uncertain.